The following is an entry in ClinVar:

ClinVar aggregate classification (germline): Uncertain significance (1 of 4 stars; one submission).

Conditions:
Cardiovascular phenotype. Identifiers: MedGen CN230736.
Hereditary cancer-predisposing syndrome. Also called: Hereditary Cancer Syndrome; Hereditary neoplastic syndrome; Neoplastic Syndromes, Hereditary; Tumor predisposition. Identifiers: Orphanet 140162, MedGen C0027672, MeSH D009386, MONDO:0015356.

Submission:

Ambry Genetics
Classification: Uncertain significance for Cardiovascular phenotype; Hereditary cancer-predisposing syndrome. Last evaluated: 2022-03-21. Review status: criteria provided, single submitter. Criteria: Ambry Variant Classification Scheme 2023. Collection method: clinical testing. Allele origin: germline.
Comment: The p.D1845G variant (also known as c.5534A>G), located in coding exon 37 of the NF1 gene, results from an A to G substitution at nucleotide position 5534. The aspartic acid at codon 1845 is replaced by glycine, an amino acid with similar properties. This amino acid position is conserved. In addition, this alteration is predicted to be deleterious by in silico analysis. Since supporting evidence is limited at this time, the clinical significance of this alteration remains unclear.

NM_001042492.3(NF1):c.5597A>G (p.Asp1866Gly)

Gene: NF1 (neurofibromin 1; plus strand). Cytogenetic location: 17q11.2.
Variant type: single nucleotide variant.
Coding change: c.5597A>G on transcript NM_001042492.3 (MANE Select); coding-DNA position 5597, A replaced by G.
Protein change: p.Asp1866Gly; replaces aspartic acid 1866 with glycine.
Molecular consequence: missense variant.
Genome position (GRCh38, 1-based): chr17:31,327,827, A>G. VCF-style: chr17-31327827-A-G. GRCh37 (hg19) VCF-style: chr17-29654845-A-G.
Other names: c.5534A>G, p.Asp1845Gly (NM_000267.4); short protein forms D1845G, D1866G.
Identifiers: ClinVar variation 1748156 (VCV001748156.2), dbSNP rs2151541927, ClinGen allele CA399010051.
Genomic context (GRCh38, chr17:31,327,827, plus strand): 5'-GGCCAAAAGATGTCCCTGGGACACTGCTCAATATCGCATTACTTAATTTAGGCAGTTCTG[A>G]CCCGAGTTTACGGTAGGTTTTTTAAAATTCTCTTCAGTTTGATTTGGGGTTTGTTGCTTT-3'
Protein context (NP_001035957.1, residues 1856-1876): NIALLNLGSS[Asp1866Gly]PSLRSAAYNL